The following is an entry in ClinVar:

NM_130837.3(OPA1):c.351+1G>T

Gene: OPA1 (OPA1 mitochondrial dynamin like GTPase; plus strand). Cytogenetic location: 3q29.
Variant type: single nucleotide variant.
Coding change: c.351+1G>T on transcript NM_130837.3 (MANE Select); the canonical splice donor site of the intron after coding-DNA position 351, G replaced by T.
Molecular consequence: splice donor variant.
Genome position (GRCh38, 1-based): chr3:193,615,042, G>T. VCF-style: chr3-193615042-G-T. GRCh37 (hg19) VCF-style: chr3-193332831-G-T.
Other names: c.-22+1G>T (NM_001354664.2, NM_001354663.2); c.351+1G>T (NM_130834.3, NM_130836.3, NM_015560.3 and 4 more transcripts).
Identifiers: ClinVar variation 4995935 (VCV004995935.1).
Genomic context (GRCh38, chr3:193,615,042, plus strand): 5'-TTAAAACTTCGCTATCTCATACTAGGATCGGCTGTTGGGGGTGGCTACACAGCCAAAAAG[G>T]TGAACTTGACATTCCTCCTGGTTTTCCAATTATTATATCATGATTAAGTTTCTATAGCAT-3'

ClinVar aggregate classification (germline): Likely pathogenic (1 of 4 stars; one submission).

Conditions:
OPA1-related disorder. Also called: OPA1-related disorders; OPA1-related condition.

Submission:

PreventionGenetics, part of Exact Sciences
Classification: Likely pathogenic for OPA1-related condition. Last evaluated: 2026-07-16. Review status: criteria provided, single submitter. Criteria: ACMG Guidelines, 2015. Collection method: clinical testing. Allele origin: germline.
Comment: The OPA1 c.351+1G>T variant is predicted to disrupt the GT donor site and interfere with normal splicing. To our knowledge, this variant has not been reported in the literature or in a large population database (gnomAD), indicating this variant is rare. Variants that disrupt the consensus splice donor site in OPA1 are expected to be pathogenic. This variant is interpreted as likely pathogenic.